The following is an entry in ClinVar:

NM_000218.3(KCNQ1):c.1795-119T>C

Genes: KCNQ1 (potassium voltage-gated channel subfamily Q member 1; plus strand), KCNQ1-AS1 (KCNQ1 antisense RNA 1; minus strand). Cytogenetic location: 11p15.4.
Variant type: single nucleotide variant.
Coding change: c.1795-119T>C on transcript NM_000218.3 (MANE Select); 119 bases into the intron before coding-DNA position 1795, T replaced by C.
Molecular consequence: intron variant.
Genome position (GRCh38, 1-based): chr11:2,847,648, T>C. VCF-style: chr11-2847648-T-C. GRCh37 (hg19) VCF-style: chr11-2868878-T-C.
Other names: c.1525-119T>C (NM_001406837.1); c.1699-119T>C (NM_001406836.1); c.1255-119T>C (NM_001406838.1); c.1414-119T>C (NM_181798.2); c.307-119T>C (NM_001406839.1).
Identifiers: ClinVar variation 671899 (VCV000671899.4), dbSNP rs3852520, ClinGen allele CA13435778.

ClinVar aggregate classification (germline): Benign. Review status: criteria provided, multiple submitters, no conflicts (2 of 4 stars). 2 submissions from 2 submitters: Benign (2). Last evaluated 2018-06-14.

Allele frequency attached by ClinVar (database versions not stated): gnomAD 0.39734 and 0.40628; TOPMed 0.41840; 1000 Genomes Project 30x 0.52795; 1000 Genomes Project 0.53035.
gnomAD v4.1: 355,310 of 911,196 alleles (39%); highest among the groups gnomAD compares: East Asian, 86%; 76,145 homozygotes.

Submissions (2):

GeneDx
Classification: Benign. Last evaluated: 2018-06-14. Review status: criteria provided, single submitter. Criteria: GeneDx Variant Classification (06012015). Collection method: clinical testing. Allele origin: germline. Affected: yes.
Comment: This variant is considered likely benign or benign based on one or more of the following criteria: it is a conservative change, it occurs at a poorly conserved position in the protein, it is predicted to be benign by multiple in silico algorithms, and/or has population frequency not consistent with disease.

Breakthrough Genomics
Classification: Benign. Review status: criteria provided, single submitter. Criteria: ACMG Guidelines, 2015. Collection method: not provided. Allele origin: germline. Inheritance: Autosomal recessive inheritance. Affected: yes.